The following is an entry in ClinVar:

ClinVar aggregate classification (germline): Uncertain significance. Review status: criteria provided, multiple submitters, no conflicts (2 of 4 stars). 2 submissions from 2 submitters: Uncertain significance (2). Last evaluated 2025-09-08.

Submissions (2):

Labcorp Genetics (formerly Invitae), Labcorp
Classification: Uncertain significance. Last evaluated: 2025-09-08. Review status: criteria provided, single submitter. Criteria: Invitae Variant Classification Sherloc (09022015). Collection method: clinical testing. Allele origin: germline.
Comment: This sequence change replaces threonine, which is neutral and polar, with isoleucine, which is neutral and non-polar, at codon 94 of the PSMB4 protein (p.Thr94Ile). This variant is present in population databases (no rsID available, gnomAD 0.006%). This variant has not been reported in the literature in individuals affected with PSMB4-related conditions. ClinVar contains an entry for this variant (Variation ID: 1939777). An algorithm developed to predict the effect of missense changes on protein structure and function (PolyPhen-2) suggests that this variant is likely to be disruptive. In summary, the available evidence is currently insufficient to determine the role of this variant in disease. Therefore, it has been classified as a Variant of Uncertain Significance.

Ambry Genetics
Classification: Uncertain significance. Last evaluated: 2025-08-11. Review status: criteria provided, single submitter. Criteria: Ambry Variant Classification Scheme 2023. Collection method: clinical testing. Allele origin: germline.

NM_002796.3(PSMB4):c.281C>T (p.Thr94Ile)

Gene: PSMB4 (proteasome 20S subunit beta 4; plus strand). Cytogenetic location: 1q21.3.
Variant type: single nucleotide variant.
Coding change: c.281C>T on transcript NM_002796.3 (MANE Select); coding-DNA position 281, C replaced by T.
Protein change: p.Thr94Ile; replaces threonine 94 with isoleucine.
Molecular consequence: missense variant.
Genome position (GRCh38, 1-based): chr1:151,400,121, C>T. VCF-style: chr1-151400121-C-T. GRCh37 (hg19) VCF-style: chr1-151372597-C-T.
Other names: c.281C>T (NM_002796.2); short protein forms T94I.
Identifiers: ClinVar variation 1939777 (VCV001939777.6), dbSNP rs1043321002, ClinGen allele CA29563335.
Genomic context (GRCh38, chr1:151,400,121, plus strand): 5'-CCTACGGCTCCTTGGCTCGTTTCCGCAACATCTCTCGCATTATGCGAGTCAACAACAGTA[C>T]CATGCTGGGTGCCTCTGGCGACTACGCTGATTTCCAGTATTTGAAGCAAGTTCTCGGCCA-3'
Protein context (NP_002787.2, residues 84-104): ISRIMRVNNS[Thr94Ile]MLGASGDYAD